The following is an entry in ClinVar:

ClinVar aggregate classification (germline): Likely benign. Review status: criteria provided, single submitter (1 of 4 stars). 2 submissions from 2 submitters: Likely benign (1). 1 of the submissions does not count toward it. Last evaluated 2026-06-11.

Conditions:
Inborn genetic diseases. Identifiers: MedGen C0950123, MeSH D030342.
CSNK2B-related disorder. Also called: CSNK2B-related condition.

Allele frequency attached by ClinVar (database versions not stated): gnomAD 0.00001; TOPMed 0.00002; 1000 Genomes Project 30x 0.00016; 1000 Genomes Project 0.00020; gnomAD exomes 0.00002; ExAC 0.00004.
gnomAD v4.1: 38 of 1,612,700 alleles (0.0024%); highest among the groups gnomAD compares: Admixed American, 0.005%; no homozygotes.

Submissions (2):

Ambry Genetics
Classification: Likely benign for Inborn genetic diseases. Last evaluated: 2026-06-11. Review status: criteria provided, single submitter. Criteria: Ambry Variant Classification Scheme 2023. Collection method: clinical testing. Allele origin: germline.

PreventionGenetics, part of Exact Sciences
Classification: Likely benign for CSNK2B-related condition. Last evaluated: 2019-09-05. Review status: no assertion criteria provided. Collection method: clinical testing. Allele origin: germline. Not counted in ClinVar's aggregate classification.
Comment: This variant is classified as likely benign based on ACMG/AMP sequence variant interpretation guidelines (Richards et al. 2015 PMID: 25741868, with internal and published modifications).

NM_001320.7(CSNK2B):c.292T>C (p.Leu98=)

Gene: CSNK2B (casein kinase 2 beta; plus strand). Cytogenetic location: 6p21.33.
Variant type: single nucleotide variant.
Coding change: c.292T>C on transcript NM_001320.7 (MANE Select); coding-DNA position 292, T replaced by C.
Protein change: p.Leu98=; no amino-acid change (leucine 98 retained).
Molecular consequence: synonymous variant.
Genome position (GRCh38, 1-based): chr6:31,669,097, T>C. VCF-style: chr6-31669097-T-C. GRCh37 (hg19) VCF-style: chr6-31636874-T-C.
Other names: c.292T>C, p.Leu98= (NM_001282385.2); c.292T>C (NM_001320.5).
Identifiers: ClinVar variation 3053867 (VCV003053867.3), dbSNP rs571224228, ClinGen allele CA3718649.